The following is an entry in ClinVar:

NM_005529.6(HSPG2):c.12816delG

Genes: HSPG2 (heparan sulfate proteoglycan 2; minus strand), LDLRAD2 (low density lipoprotein receptor class A domain containing 2; plus strand). Cytogenetic location: 1p36.12.
Variant type: Deletion.
Coding change: c.12816delG on transcript NM_005529.6; coding-DNA position 12816, one base deleted (G).
Molecular consequence: 3 prime UTR variant (on NM_001013693.3).
Genome position (GRCh38, 1-based): chr1:21,824,204, C deleted on the plus strand (G on the coding strand, the reverse complement: HSPG2 is on the minus strand); the first of 2 consecutive C bases (chr1:21,824,204-21,824,205); deleting either gives the same sequence. VCF-style (leftmost placement, unchanged base first): chr1-21824203-AC-A. GRCh37 (hg19) VCF-style: chr1-22150696-AC-A.
Other names: c.*1990del (NM_001013693.3).
Identifiers: ClinVar variation 3344339 (VCV003344339.1).

ClinVar aggregate classification (germline): Uncertain significance (0 of 4 stars; one submission).

Conditions:
HSPG2-related disorder. Also called: HSPG2-related condition; HSPG2-related disorders.

Submission:

PreventionGenetics, part of Exact Sciences
Classification: Uncertain significance for HSPG2-related condition. Last evaluated: 2024-04-30. Review status: no assertion criteria provided. Collection method: clinical testing. Allele origin: germline.
Comment: The HSPG2 c.12816delG variant is predicted to result in a frameshift and premature protein termination (p.Arg4272Serfs*25). To our knowledge, this variant has not been reported in the literature or in a large population database, indicating this variant is rare. Although we suspect that this variant may be pathogenic, at this time, the clinical significance of this variant is uncertain due to the absence of conclusive functional and genetic evidence.